The following is an entry in ClinVar:

ClinVar aggregate classification (germline): Uncertain significance (1 of 4 stars; one submission).

Conditions:
Ullrich congenital muscular dystrophy 2 (UCMD2). Identifiers: Orphanet 75840, MedGen C4225314, MONDO:0014654, OMIM 616470.
Bethlem myopathy 2 (BTHLM2). Identifiers: Orphanet 536516, Orphanet 610, MedGen C4225313, MONDO:0034022, OMIM 616471.

Submission:

Labcorp Genetics (formerly Invitae), Labcorp
Classification: Uncertain significance for Bethlem myopathy 2; Ullrich congenital muscular dystrophy 2. Last evaluated: 2021-04-10. Review status: criteria provided, single submitter. Criteria: Invitae Variant Classification Sherloc (09022015). Collection method: clinical testing. Allele origin: germline.
Comment: Algorithms developed to predict the effect of missense changes on protein structure and function (SIFT, PolyPhen-2, Align-GVGD) all suggest that this variant is likely to be tolerated, but these predictions have not been confirmed by published functional studies and their clinical significance is uncertain. In summary, the available evidence is currently insufficient to determine the role of this variant in disease. Therefore, it has been classified as a Variant of Uncertain Significance. This variant has not been reported in the literature in individuals with COL12A1-related conditions. This variant is not present in population databases (ExAC no frequency). This sequence change replaces glutamic acid with lysine at codon 668 of the COL12A1 protein (p.Glu668Lys). The glutamic acid residue is moderately conserved and there is a small physicochemical difference between glutamic acid and lysine.

NM_004370.6(COL12A1):c.2002G>A (p.Glu668Lys)

Gene: COL12A1 (collagen type XII alpha 1 chain; minus strand). Cytogenetic location: 6q13.
Variant type: single nucleotide variant.
Coding change: c.2002G>A on transcript NM_004370.6 (MANE Select); coding-DNA position 2002, G replaced by A.
Protein change: p.Glu668Lys; replaces glutamic acid 668 with lysine.
Molecular consequence: missense variant. On other transcripts: intron variant (1).
Genome position (GRCh38, 1-based): chr6:75,181,101, C>T on the plus strand (G>A on the coding strand, the complement: COL12A1 is on the minus strand). VCF-style: chr6-75181101-C-T. GRCh37 (hg19) VCF-style: chr6-75890817-C-T.
Other names: c.73+21619G>A (NM_080645.3); short protein forms E668K.
Identifiers: ClinVar variation 1465838 (VCV001465838.8), dbSNP rs2149462161, ClinGen allele CA364767188.